The following is an entry in ClinVar:

NM_003560.4(PLA2G6):c.1835G>A (p.Arg612His)

Gene: PLA2G6 (phospholipase A2 group VI; minus strand). Cytogenetic location: 22q13.1.
Variant type: single nucleotide variant.
Coding change: c.1835G>A on transcript NM_003560.4 (MANE Select); coding-DNA position 1835, G replaced by A.
Protein change: p.Arg612His; replaces arginine 612 with histidine.
Molecular consequence: missense variant.
Genome position (GRCh38, 1-based): chr22:38,116,119, C>T on the plus strand (G>A on the coding strand, the complement: PLA2G6 is on the minus strand). VCF-style: chr22-38116119-C-T. GRCh37 (hg19) VCF-style: chr22-38512126-C-T.
Other names: p.Arg612His; c.1835G>A (NM_003560.2); c.1673G>A, p.Arg558His (NM_001004426.3, NM_001199562.3, NM_001349865.2 and 1 more transcripts); c.1835G>A, p.Arg612His (NM_001349864.2); c.1301G>A, p.Arg434His (NM_001349867.2); c.1157G>A, p.Arg386His (NM_001349868.2); c.1139G>A, p.Arg380His (NM_001349869.2); short protein forms R380H, R386H, R434H, R558H, R612H.
Identifiers: ClinVar variation 1008955 (VCV001008955.9), dbSNP rs200117092, ClinGen allele CA10230705.
Genomic context (GRCh38, chr22:38,116,119, plus strand): 5'-CAAACATGGTTTAAACCTGAGGGCTGAGCTGGAGGCCTGAGGTTAACGTTCTGGTTGAAA[C>T]GAGGCTCCCGGACAGTTTCTGGAGCATCGTAGTTCCGGAAGAGGTGGAGTTCAGCCGGCT-3'
Protein context (NP_003551.2, residues 602-622): YDAPETVREP[Arg612His]FNQNVNLRPP

ClinVar aggregate classification (germline): Uncertain significance. Review status: criteria provided, multiple submitters, no conflicts (2 of 4 stars). 3 submissions from 3 submitters: Uncertain significance (3). Last evaluated 2025-02-19.

Conditions:
Infantile neuroaxonal dystrophy (NBIA2A). Also called: NEURODEGENERATION WITH BRAIN IRON ACCUMULATION 2A; SEITELBERGER DISEASE; Infantile neuroaxonal dystrophy 1. Identifiers: Orphanet 35069, MedGen C0270724, MONDO:0024457, OMIM 256600.

Allele frequency attached by ClinVar (database versions not stated): TOPMed 0.00002.
gnomAD v4.1: 41 of 1,614,060 alleles (0.0025%); highest among the groups gnomAD compares: Non-Finnish European, 0.0033%; no homozygotes.

Submissions (3):

GeneDx
Classification: Uncertain significance. Last evaluated: 2025-02-19. Review status: criteria provided, single submitter. Criteria: GeneDx Variant Classification Process June 2021. Collection method: clinical testing. Allele origin: germline. Affected: yes.
Comment: Not observed at significant frequency in large population cohorts (gnomAD); In silico analysis indicates that this missense variant does not alter protein structure/function; Has not been previously published as pathogenic or benign to our knowledge

Mayo Clinic Laboratories, Mayo Clinic
Classification: Uncertain significance. Last evaluated: 2024-11-27. Review status: criteria provided, single submitter. Criteria: ACMG Guidelines, 2015. Collection method: clinical testing. Allele origin: germline. Observed: 2 variant alleles.

Labcorp Genetics (formerly Invitae), Labcorp
Classification: Uncertain significance for Infantile neuroaxonal dystrophy. Last evaluated: 2021-09-01. Review status: criteria provided, single submitter. Criteria: Invitae Variant Classification Sherloc (09022015). Collection method: clinical testing. Allele origin: germline.
Comment: This sequence change replaces arginine with histidine at codon 612 of the PLA2G6 protein (p.Arg612His). The arginine residue is moderately conserved and there is a small physicochemical difference between arginine and histidine. This variant is present in population databases (rs200117092, ExAC 0.003%). This variant has not been reported in the literature in individuals affected with PLA2G6-related conditions. Algorithms developed to predict the effect of missense changes on protein structure and function output the following: SIFT: "Tolerated"; PolyPhen-2: "Benign"; Align-GVGD: "Class C0". The histidine amino acid residue is found in multiple mammalian species, which suggests that this missense change does not adversely affect protein function. In summary, the available evidence is currently insufficient to determine the role of this variant in disease. Therefore, it has been classified as a Variant of Uncertain Significance.